The following is an entry in ClinVar:

NM_001369.3(DNAH5):c.1967C>T (p.Ala656Val)

Gene: DNAH5 (dynein axonemal heavy chain 5; minus strand). Cytogenetic location: 5p15.2.
Variant type: single nucleotide variant.
Coding change: c.1967C>T on transcript NM_001369.3 (MANE Select); coding-DNA position 1967, C replaced by T.
Protein change: p.Ala656Val; replaces alanine 656 with valine.
Molecular consequence: missense variant.
Genome position (GRCh38, 1-based): chr5:13,901,337, G>A on the plus strand (C>T on the coding strand, the complement: DNAH5 is on the minus strand). VCF-style: chr5-13901337-G-A. GRCh37 (hg19) VCF-style: chr5-13901446-G-A.
Other names: short protein forms A656V.
Identifiers: ClinVar variation 989922 (VCV000989922.7), dbSNP rs147911274, ClinGen allele CA3204708.

ClinVar aggregate classification (germline): Conflicting classifications of pathogenicity. Review status: criteria provided, conflicting classifications (1 of 4 stars). 3 submissions from 3 submitters: Uncertain significance (1); Benign (1). 1 of the submissions does not count toward it. Last evaluated 2026-02-19.

Conditions:
Primary ciliary dyskinesia. Also called: Ciliary dyskinesia. Identifiers: Orphanet 244, MedGen C0008780, MONDO:0016575, HP:0012265.

Allele frequency attached by ClinVar (database versions not stated): gnomAD 0.00014 and 0.00018; TOPMed 0.00018; ESP Exome Variant Server 0.00023.
gnomAD v4.1: 36 of 1,614,050 alleles (0.0022%); highest among the groups gnomAD compares: African/African-American, 0.04%; no homozygotes.

Submissions (3):

Ambry Genetics
Classification: Uncertain significance for Primary ciliary dyskinesia. Last evaluated: 2026-02-19. Review status: criteria provided, single submitter. Criteria: Ambry Variant Classification Scheme 2023. Collection method: clinical testing. Allele origin: germline.
Comment: The p.A656V variant (also known as c.1967C>T), located in coding exon 14 of the DNAH5 gene, results from a C to T substitution at nucleotide position 1967. The alanine at codon 656 is replaced by valine, an amino acid with similar properties. This amino acid position is conserved. In addition, this alteration is predicted to be tolerated by in silico analysis. Based on the available evidence, the clinical significance of this variant remains unclear.

Labcorp Genetics (formerly Invitae), Labcorp
Classification: Benign for Primary ciliary dyskinesia. Last evaluated: 2025-11-01. Review status: criteria provided, single submitter. Criteria: Invitae Variant Classification Sherloc (09022015). Collection method: clinical testing. Allele origin: germline.

Natera, Inc.
Classification: Uncertain significance for Primary ciliary dyskinesia. Last evaluated: 2020-08-13. Review status: no assertion criteria provided. Collection method: clinical testing. Allele origin: germline. Not counted in ClinVar's aggregate classification.